The following is an entry in ClinVar:

NM_001267550.2(TTN):c.89716G>A (p.Asp29906Asn)

Genes: TTN (titin; minus strand), TTN-AS1 (TTN antisense RNA 1; plus strand). Cytogenetic location: 2q31.2.
Variant type: single nucleotide variant.
Coding change: c.89716G>A on transcript NM_001267550.2 (MANE Select); coding-DNA position 89716, G replaced by A.
Protein change: p.Asp29906Asn; replaces aspartic acid 29906 with asparagine.
Molecular consequence: missense variant.
Genome position (GRCh38, 1-based): chr2:178,553,184, C>T on the plus strand (G>A on the coding strand, the complement: TTN is on the minus strand). VCF-style: chr2-178553184-C-T. GRCh37 (hg19) VCF-style: chr2-179417911-C-T.
Other names: p.D28265N:GAT>AAT; c.84793G>A, p.Asp28265Asn (NM_001256850.1); c.62521G>A, p.Asp20841Asn (NM_003319.4); c.82012G>A, p.Asp27338Asn (NM_133378.4); c.62896G>A, p.Asp20966Asn (NM_133432.3); c.63097G>A, p.Asp21033Asn (NM_133437.4); short protein forms D28265N, D29906N, D27338N, D21033N, D20841N, D20966N.
Identifiers: ClinVar variation 202960 (VCV000202960.10), dbSNP rs770892973, ClinGen allele CA310814.

ClinVar aggregate classification (germline): Uncertain significance. Review status: criteria provided, multiple submitters, no conflicts (2 of 4 stars). 7 submissions from 3 submitters: Uncertain significance (7). Last evaluated 2018-01-13.

Conditions:
Early-onset myopathy with fatal cardiomyopathy (CMYO5). Also called: CONGENITAL MYOPATHY 5 WITH CARDIOMYOPATHY; Salih Myopathy. Identifiers: Orphanet 289377, MedGen C2673677, MONDO:0012714, OMIM 611705. Disease mechanism: loss of function.
Autosomal recessive limb-girdle muscular dystrophy type 2J (LGMDR10). Also called: MUSCULAR DYSTROPHY, LIMB-GIRDLE, AUTOSOMAL RECESSIVE 10; Limb-girdle muscular dystrophy, type 2J. Identifiers: Orphanet 140922, MedGen C1837342, MONDO:0012127, OMIM 608807.
Myopathy, myofibrillar, 9, with early respiratory failure (MFM9). Also called: EDSTROM MYOPATHY; MYOPATHY, PROXIMAL, WITH EARLY RESPIRATORY MUSCLE INVOLVEMENT; Myopathy, distal, with early respiratory failure, autosomal dominant; Hereditary myopathy with early respiratory failure. Identifiers: Orphanet 178464, Orphanet 34521, MedGen C1863599, MONDO:0011362, OMIM 603689.
Dilated cardiomyopathy 1G (CMD1G). Identifiers: Orphanet 154, MedGen C1858763, MONDO:0011400, OMIM 604145.
Tibial muscular dystrophy (TMD). Also called: UDD MYOPATHY; Tibial muscular dystrophy, tardive; Udd Distal Myopathy – Tibial Muscular Dystrophy. Identifiers: Orphanet 609, MedGen C1838244, MONDO:0010870, OMIM 600334.

Allele frequency attached by ClinVar (database versions not stated): gnomAD exomes below 0.00001 and 0.00001; ExAC 0.00001.

Submissions (7):

Illumina Laboratory Services, Illumina
Classification: Uncertain significance for Early-onset myopathy with fatal cardiomyopathy. Last evaluated: 2018-01-13. Review status: criteria provided, single submitter. Criteria: ICSL Variant Classification Criteria 13 December 2019. Collection method: clinical testing. Allele origin: germline.

Illumina Laboratory Services, Illumina
Classification: Uncertain significance for Dilated cardiomyopathy 1G. Last evaluated: 2018-01-13. Review status: criteria provided, single submitter. Criteria: ICSL Variant Classification Criteria 13 December 2019. Collection method: clinical testing. Allele origin: germline.

Illumina Laboratory Services, Illumina
Classification: Uncertain significance for Myopathy, myofibrillar, 9, with early respiratory failure. Last evaluated: 2018-01-13. Review status: criteria provided, single submitter. Criteria: ICSL Variant Classification Criteria 13 December 2019. Collection method: clinical testing. Allele origin: germline.

Illumina Laboratory Services, Illumina
Classification: Uncertain significance for Tibial muscular dystrophy. Last evaluated: 2018-01-13. Review status: criteria provided, single submitter. Criteria: ICSL Variant Classification Criteria 13 December 2019. Collection method: clinical testing. Allele origin: germline.

Illumina Laboratory Services, Illumina
Classification: Uncertain significance for Autosomal recessive limb-girdle muscular dystrophy type 2J. Last evaluated: 2018-01-13. Review status: criteria provided, single submitter. Criteria: ICSL Variant Classification Criteria 13 December 2019. Collection method: clinical testing. Allele origin: germline.

Eurofins Ntd Llc (ga)
Classification: Uncertain significance. Last evaluated: 2017-02-03. Review status: criteria provided, single submitter. Criteria: EGL Classification Definitions 2015. Collection method: clinical testing. Allele origin: germline. Observed: 1 variant allele, 1 heterozygote.

GeneDx
Classification: Uncertain significance. Last evaluated: 2015-11-23. Review status: criteria provided, single submitter. Criteria: GeneDx Variant Classification (06012015). Collection method: clinical testing. Allele origin: germline. Affected: yes.
Comment: Missense variants in the TTN gene are considered 'unclassified' if they are not previously reported in the literature and do not have >1% frequency in the population to be considered a polymorphism. Research indicates that truncating mutations in the TTN gene are expected to account for approximately 25% of familial and 18% of sporadic idiopathic DCM; however, truncating variants in the TTN gene have been reported in approximately 3% of reported control alleles. There has been little investigation into non-truncating variants. (Herman D et al. Truncations of titin causing dilated cardiomyopathy. N Eng J Med 366:619-628, 2012) The variant is found in DCM panel(s).